The following is an entry in ClinVar:

NM_152866.3(MS4A1):c.880G>T (p.Asp294Tyr)

Gene: MS4A1 (membrane spanning 4-domains A1; plus strand). Cytogenetic location: 11q12.2.
Variant type: single nucleotide variant.
Coding change: c.880G>T on transcript NM_152866.3 (MANE Select); coding-DNA position 880, G replaced by T.
Protein change: p.Asp294Tyr; replaces aspartic acid 294 with tyrosine.
Molecular consequence: missense variant.
Genome position (GRCh38, 1-based): chr11:60,468,454, G>T. VCF-style: chr11-60468454-G-T. GRCh37 (hg19) VCF-style: chr11-60235927-G-T.
Other names: c.880G>T, p.Asp294Tyr (NM_021950.4, NM_152867.2); short protein forms D294Y.
Identifiers: ClinVar variation 4722517 (VCV004722517.1).
Genomic context (GRCh38, chr11:60,468,454, plus strand): 5'-GAAACAGAGACGAACTTTCCAGAACCTCCCCAAGATCAGGAATCCTCACCAATAGAAAAT[G>T]ACAGCTCTCCTTAAGTGATTTCTTCTGTTTTCTGTTTCCTTTTTTAAACATTAGTGTTCA-3'
Protein context (NP_690605.1, residues 284-297): QDQESSPIEN[Asp294Tyr]SSP

ClinVar aggregate classification (germline): Uncertain significance (1 of 4 stars; one submission).

Submission:

Labcorp Genetics (formerly Invitae), Labcorp
Classification: Uncertain significance. Last evaluated: 2025-07-10. Review status: criteria provided, single submitter. Criteria: Invitae Variant Classification Sherloc (09022015). Collection method: clinical testing. Allele origin: germline.
Comment: This sequence change replaces aspartic acid, which is acidic and polar, with tyrosine, which is neutral and polar, at codon 294 of the MS4A1 protein (p.Asp294Tyr). This variant is not present in population databases (gnomAD no frequency). This variant has not been reported in the literature in individuals affected with MS4A1-related conditions. An algorithm developed to predict the effect of missense changes on protein structure and function (PolyPhen-2) suggests that this variant is likely to be disruptive. In summary, the available evidence is currently insufficient to determine the role of this variant in disease. Therefore, it has been classified as a Variant of Uncertain Significance.